The following is an entry in ClinVar:

NM_001193369.2(DIDO1):c.2166G>A (p.Lys722=)

Gene: DIDO1 (death inducer-obliterator 1; minus strand). Cytogenetic location: 20q13.33.
Variant type: single nucleotide variant.
Coding change: c.2166G>A on transcript NM_001193369.2 (MANE Select); coding-DNA position 2166, G replaced by A.
Protein change: p.Lys722=; no amino-acid change (lysine 722 retained).
Molecular consequence: synonymous variant.
Genome position (GRCh38, 1-based): chr20:62,896,281, C>T on the plus strand (G>A on the coding strand, the complement: DIDO1 is on the minus strand). VCF-style: chr20-62896281-C-T. GRCh37 (hg19) VCF-style: chr20-61527633-C-T.
Other names: c.2166G>A, p.Lys722= (NM_001193370.2, NM_033081.3, NM_080797.4).
Identifiers: ClinVar variation 4874386 (VCV004874386.2).
Genomic context (GRCh38, chr20:62,896,281, plus strand): 5'-CCAGGCACACACCTGATTTTTAGGGTCCTTCAGGTTGAACATGATGCTGCGATATTTACT[C>T]TTGTAGCGATTATCTGTAACTTGAAACAAGTTAAACATCTCCTTCTCAATATGGAGGGCA-3'
Protein context (NP_001180298.1, residues 712-732): NLFQVTDNRY[Lys722=]SKYRSIMFNL

ClinVar aggregate classification (germline): Likely benign (1 of 4 stars; one submission).

Submission:

CeGaT Center for Human Genetics Tuebingen
Classification: Likely benign. Last evaluated: 2026-05-01. Review status: criteria provided, single submitter. Criteria: CeGaT Center For Human Genetics Tuebingen Variant Classification Criteria Version 2. Collection method: clinical testing. Allele origin: germline. Affected: yes. Observed: 1 variant allele.
Comment: DIDO1: BP4, BP7